The following is an entry in ClinVar:

NM_030962.4(SBF2):c.3142A>G (p.Lys1048Glu)

Genes: SBF2 (SET binding factor 2; minus strand), LOC101928008 (uncharacterized LOC101928008; plus strand). Cytogenetic location: 11p15.4.
Variant type: single nucleotide variant.
Coding change: c.3142A>G on transcript NM_030962.4 (MANE Select); coding-DNA position 3142, A replaced by G.
Protein change: p.Lys1048Glu; replaces lysine 1048 with glutamic acid.
Molecular consequence: missense variant.
Genome position (GRCh38, 1-based): chr11:9,842,739, T>C on the plus strand (A>G on the coding strand, the complement: SBF2 is on the minus strand). VCF-style: chr11-9842739-T-C. GRCh37 (hg19) VCF-style: chr11-9864286-T-C.
Other names: c.3142A>G, p.Lys1048Glu (NM_001386339.1); c.3013A>G, p.Lys1005Glu (NM_001386342.1); short protein forms K1048E, K1005E.
Identifiers: ClinVar variation 1947839 (VCV001947839.3), dbSNP rs2494762101, ClinGen allele CA379631128.

ClinVar aggregate classification (germline): Uncertain significance (1 of 4 stars; one submission).

Conditions:
Charcot-Marie-Tooth disease type 4. Also called: Charcot-Marie-Tooth, Type 4; Charcot-Marie-Tooth disease, type IV. Identifiers: Orphanet 64749, MedGen C4082197, MONDO:0018995.

Allele frequency attached by ClinVar (database versions not stated): gnomAD exomes below 0.00001.
gnomAD v4.1: 2 of 1,614,164 alleles (0.00012%); highest among the groups gnomAD compares: Non-Finnish European, 0.00017%; no homozygotes.

Submission:

Labcorp Genetics (formerly Invitae), Labcorp
Classification: Uncertain significance for Charcot-Marie-Tooth disease type 4. Last evaluated: 2022-06-02. Review status: criteria provided, single submitter. Criteria: Invitae Variant Classification Sherloc (09022015). Collection method: clinical testing. Allele origin: germline.
Comment: This variant is not present in population databases (gnomAD no frequency). This sequence change replaces lysine, which is basic and polar, with glutamic acid, which is acidic and polar, at codon 1048 of the SBF2 protein (p.Lys1048Glu). This variant has not been reported in the literature in individuals affected with SBF2-related conditions. In summary, the available evidence is currently insufficient to determine the role of this variant in disease. Therefore, it has been classified as a Variant of Uncertain Significance. Algorithms developed to predict the effect of missense changes on protein structure and function (SIFT, PolyPhen-2, Align-GVGD) all suggest that this variant is likely to be tolerated.